The following is an entry in ClinVar:

ClinVar aggregate classification (germline): Uncertain significance (1 of 4 stars; one submission).

Allele frequency attached by ClinVar (database versions not stated): gnomAD exomes 0.00001 and 0.00002; gnomAD 0.00002 and 0.00003; ExAC 0.00003; TOPMed 0.00004.
gnomAD v4.1: 24 of 1,609,780 alleles (0.0015%); highest among the groups gnomAD compares: African/African-American, 0.008%; no homozygotes.

Submission:

CeGaT Center for Human Genetics Tuebingen
Classification: Uncertain significance. Last evaluated: 2022-05-01. Review status: criteria provided, single submitter. Criteria: CeGaT Center For Human Genetics Tuebingen Variant Classification Criteria Version 2. Collection method: clinical testing. Allele origin: germline. Affected: yes. Observed: 1 variant allele.
Comment: DNAJB2: PM2, BP4

NM_006736.6(DNAJB2):c.847C>T (p.Arg283Trp)

Gene: DNAJB2 (DnaJ heat shock protein family (Hsp40) member B2; plus strand). Cytogenetic location: 2q35.
Variant type: single nucleotide variant.
Coding change: c.847C>T on transcript NM_006736.6 (MANE Select); coding-DNA position 847, C replaced by T.
Protein change: p.Arg283Trp; replaces arginine 283 with tryptophan.
Molecular consequence: missense variant. On other transcripts: intron variant (1).
Genome position (GRCh38, 1-based): chr2:219,284,859, C>T. VCF-style: chr2-219284859-C-T. GRCh37 (hg19) VCF-style: chr2-220149581-C-T.
Other names: c.823+24C>T (NM_001039550.2); short protein forms R283W.
Identifiers: ClinVar variation 1695005 (VCV001695005.31), dbSNP rs769473223, ClinGen allele CA2123117.